The following is an entry in ClinVar:

ClinVar aggregate classification (germline): Conflicting classifications of pathogenicity. Review status: criteria provided, conflicting classifications (1 of 4 stars). 3 submissions from 3 submitters: Uncertain significance (1); Benign (1); Likely benign (1). Last evaluated 2026-09-16.

Conditions:
CREBBP-related disorder. Also called: CREBBP-related condition; CREBBP-related disorders.
Rubinstein-Taybi syndrome (RSTS). Identifiers: Orphanet 783, MedGen C0035934, MONDO:0019188.
Inborn genetic diseases. Identifiers: MedGen C0950123, MeSH D030342.

Allele frequency attached by ClinVar (database versions not stated): gnomAD 0.00001; gnomAD exomes 0.00003; ExAC 0.00007.
gnomAD v4.1: 49 of 1,613,980 alleles (0.003%); highest among the groups gnomAD compares: South Asian, 0.054%; no homozygotes.

Submissions (3):

PreventionGenetics, part of Exact Sciences
Classification: Uncertain significance for CREBBP-related condition. Last evaluated: 2026-09-16. Review status: criteria provided, single submitter. Criteria: ACMG Guidelines, 2015. Collection method: clinical testing. Allele origin: germline.
Comment: The CREBBP c.382T>C variant is predicted to result in the amino acid substitution p.Ser128Pro. To our knowledge, this variant has not been reported in the literature. Statistical evidence in gnomAD suggests the CREBBP gene is intolerant of missense variation. This variant is reported in 0.049% of alleles in individuals of South Asian descent in gnomAD, which is likely too common for an undocumented disease-causing variant. Although we suspect that this variant may be benign, at this time, the clinical significance of this variant is uncertain due to the absence of conclusive functional and genetic evidence.

Labcorp Genetics (formerly Invitae), Labcorp
Classification: Benign for Rubinstein-Taybi syndrome. Last evaluated: 2022-08-30. Review status: criteria provided, single submitter. Criteria: Invitae Variant Classification Sherloc (09022015). Collection method: clinical testing. Allele origin: germline.

Ambry Genetics
Classification: Likely benign for Inborn genetic diseases. Last evaluated: 2021-08-12. Review status: criteria provided, single submitter. Criteria: Ambry Variant Classification Scheme 2023. Collection method: clinical testing. Allele origin: germline.

NM_004380.3(CREBBP):c.382T>C (p.Ser128Pro)

Gene: CREBBP (CREB binding lysine acetyltransferase; minus strand). Cytogenetic location: 16p13.3.
Variant type: single nucleotide variant.
Coding change: c.382T>C on transcript NM_004380.3 (MANE Select); coding-DNA position 382, T replaced by C.
Protein change: p.Ser128Pro; replaces serine 128 with proline.
Molecular consequence: missense variant.
Genome position (GRCh38, 1-based): chr16:3,850,713, A>G on the plus strand (T>C on the coding strand, the complement: CREBBP is on the minus strand). VCF-style: chr16-3850713-A-G. GRCh37 (hg19) VCF-style: chr16-3900714-A-G.
Other names: c.382T>C (NM_004380.2); c.382T>C, p.Ser128Pro (NM_001079846.1); short protein forms S128P.
Identifiers: ClinVar variation 2156721 (VCV002156721.6), dbSNP rs777456830, ClinGen allele CA7870687.